The following is an entry in ClinVar:

NM_001365276.2(TNXB):c.6258C>A (p.Ser2086Arg)

Gene: TNXB (tenascin XB; minus strand). Cytogenetic location: 6p21.33.
Variant type: single nucleotide variant.
Coding change: c.6258C>A on transcript NM_001365276.2 (MANE Select); coding-DNA position 6258, C replaced by A.
Protein change: p.Ser2086Arg; replaces serine 2086 with arginine.
Molecular consequence: missense variant.
Genome position (GRCh38, 1-based): chr6:32,067,947, G>T on the plus strand (C>A on the coding strand, the complement: TNXB is on the minus strand). VCF-style: chr6-32067947-G-T. GRCh37 (hg19) VCF-style: chr6-32035724-G-T.
Other names: c.6258C>A, p.Ser2086Arg (NM_019105.8); short protein forms S2086R.
Identifiers: ClinVar variation 1302448 (VCV001302448.3), dbSNP rs771259260, ClinGen allele CA3734487.
Genomic context (GRCh38, chr6:32,067,947, plus strand): 5'-GGATCCTGTCACTGTTAGCTCCCCCAGGAGCGGCTCCTCAGCGGGCTCCGGGGCCTCCAT[G>T]CTGGGTTCTGTGGGGCTGGGGGTCTCTTCCTCTGCAGCTGAGAAGGAGGAAGAGAGAGTG-3'
Protein context (NP_001352205.1, residues 2076-2096): EEETPSPTEP[Ser2086Arg]MEAPEPAEEP

ClinVar aggregate classification (germline): Uncertain significance. Review status: criteria provided, multiple submitters, no conflicts (2 of 4 stars). 2 submissions from 2 submitters: Uncertain significance (2). Last evaluated 2025-11-24.

Conditions:
Cardiovascular phenotype. Identifiers: MedGen CN230736.

Allele frequency attached by ClinVar (database versions not stated): ExAC 0.00002; gnomAD 0.00002; gnomAD exomes 0.00001; TOPMed 0.00001.
gnomAD v4.1: 22 of 1,612,394 alleles (0.0014%); highest among the groups gnomAD compares: Non-Finnish European, 0.0017%; no homozygotes.

Submissions (2):

Ambry Genetics
Classification: Uncertain significance for Cardiovascular phenotype. Last evaluated: 2025-11-24. Review status: criteria provided, single submitter. Criteria: Ambry Variant Classification Scheme 2023. Collection method: clinical testing. Allele origin: germline.
Comment: The p.S2086R variant (also known as c.6258C>A), located in coding exon 17 of the TNXB gene, results from a C to A substitution at nucleotide position 6258. The serine at codon 2086 is replaced by arginine, an amino acid with dissimilar properties. This amino acid position is conserved. In addition, this alteration is predicted to be tolerated by in silico analysis. Based on the available evidence, the clinical significance of this variant remains unclear.

GeneDx
Classification: Uncertain significance. Last evaluated: 2021-10-28. Review status: criteria provided, single submitter. Criteria: GeneDx Variant Classification Process June 2021. Collection method: clinical testing. Allele origin: germline. Affected: yes.
Comment: Has not been previously published as pathogenic or benign to our knowledge; Not observed at a significant frequency in large population cohorts (Lek et al., 2016); In silico analysis supports that this missense variant does not alter protein structure/function